The following is an entry in ClinVar:

NM_001374828.1(ARID1B):c.1542G>A (p.Arg514=)

Gene: ARID1B (AT-rich interaction domain 1B; plus strand). Cytogenetic location: 6q25.3.
Variant type: single nucleotide variant.
Coding change: c.1542G>A on transcript NM_001374828.1 (MANE Select); coding-DNA position 1542, G replaced by A.
Protein change: p.Arg514=; no amino-acid change (arginine 514 retained).
Molecular consequence: synonymous variant.
Genome position (GRCh38, 1-based): chr6:156,779,222, G>A. VCF-style: chr6-156779222-G-A. GRCh37 (hg19) VCF-style: chr6-157100356-G-A.
Other names: c.1293G>A, p.Arg431= (NM_001346813.1, NM_020732.3); c.1542G>A, p.Arg514= (NM_001371656.1, NM_001374820.1, NM_017519.3); c.1119G>A, p.Arg373= (NM_175863.2).
Identifiers: ClinVar variation 2719361 (VCV002719361.8), dbSNP rs1395935659, ClinGen allele CA452989588.

ClinVar aggregate classification (germline): Likely benign. Review status: criteria provided, multiple submitters, no conflicts (2 of 4 stars). 2 submissions from 2 submitters: Likely benign (2). Last evaluated 2025-12-01.

Allele frequency attached by ClinVar (database versions not stated): gnomAD 0.00001; TOPMed 0.00001.
gnomAD v4.1: 3 of 1,268,142 alleles (0.00024%); highest among the groups gnomAD compares: Admixed American, 0.003%; no homozygotes.

Submissions (2):

CeGaT Center for Human Genetics Tuebingen
Classification: Likely benign. Last evaluated: 2025-12-01. Review status: criteria provided, single submitter. Criteria: CeGaT Center For Human Genetics Tuebingen Variant Classification Criteria Version 2. Collection method: clinical testing. Allele origin: germline. Affected: yes. Observed: 1 variant allele.
Comment: ARID1B: BP4, BP7

Labcorp Genetics (formerly Invitae), Labcorp
Classification: Likely benign. Last evaluated: 2024-02-10. Review status: criteria provided, single submitter. Criteria: Invitae Variant Classification Sherloc (09022015). Collection method: clinical testing. Allele origin: germline.